The following is an entry in ClinVar:

NM_033505.4(SELENOI):c.360A>T (p.Leu120Phe)

Gene: SELENOI (selenoprotein I; plus strand). Cytogenetic location: 2p23.3.
Variant type: single nucleotide variant.
Coding change: c.360A>T on transcript NM_033505.4 (MANE Select); coding-DNA position 360, A replaced by T.
Protein change: p.Leu120Phe; replaces leucine 120 with phenylalanine.
Molecular consequence: missense variant. On other transcripts: non-coding transcript variant (1).
Genome position (GRCh38, 1-based): chr2:26,373,416, A>T. VCF-style: chr2-26373416-A-T. GRCh37 (hg19) VCF-style: chr2-26596284-A-T.
Other names: short protein forms L120F.
Identifiers: ClinVar variation 4854698 (VCV004854698.1).

ClinVar aggregate classification (germline): Uncertain significance (1 of 4 stars; one submission).

Conditions:
Spastic paraplegia 81, autosomal recessive. Identifiers: MedGen C5394033, MONDO:0032905, OMIM 618768.

Submission:

3billion
Classification: Uncertain significance for Spastic paraplegia 81, autosomal recessive. Last evaluated: 2025-11-04. Review status: criteria provided, single submitter. Criteria: ACMG Guidelines, 2015. Collection method: clinical testing. Allele origin: germline. Affected: yes.
Comment: The variant is not observed in the gnomAD v4.1.0 dataset. Predicted Consequence/Location: Missense variant In silico tool prediction suggests damaging effect of the variant on gene or gene product [3Cnet: 0.99 (> 0.75, sensitivity 0.96 and precision 0.92)]. Therefore, this variant is classified as VUS according to the recommendation of ACMG/AMP guideline.